The following is an entry in ClinVar:

ClinVar aggregate classification (germline): Uncertain significance (1 of 4 stars; one submission).

Conditions:
Tyrosinemia type I (TYRSN1). Also called: Tyrosinemia type 1; Fumarylacetoacetase deficiency; Deficiency of fumarylacetoacetase; HEPATORENAL TYROSINEMIA; FAH DEFICIENCY. Identifiers: Orphanet 882, MedGen C0268490, MONDO:0010161, OMIM 276700. Disease mechanism: loss of function.

Submission:

Labcorp Genetics (formerly Invitae), Labcorp
Classification: Uncertain significance for Tyrosinemia type I. Last evaluated: 2023-11-27. Review status: criteria provided, single submitter. Criteria: Invitae Variant Classification Sherloc (09022015). Collection method: clinical testing. Allele origin: germline.
Comment: This sequence change replaces leucine, which is neutral and non-polar, with proline, which is neutral and non-polar, at codon 43 of the FAH protein (p.Leu43Pro). This variant is not present in population databases (gnomAD no frequency). This variant has not been reported in the literature in individuals affected with FAH-related conditions. Advanced modeling of protein sequence and biophysical properties (such as structural, functional, and spatial information, amino acid conservation, physicochemical variation, residue mobility, and thermodynamic stability) performed at Invitae indicates that this missense variant is expected to disrupt FAH protein function with a positive predictive value of 80%. In summary, the available evidence is currently insufficient to determine the role of this variant in disease. Therefore, it has been classified as a Variant of Uncertain Significance.

NM_000137.4(FAH):c.128T>C (p.Leu43Pro)

Gene: FAH (fumarylacetoacetate hydrolase; plus strand). Cytogenetic location: 15q25.1.
Variant type: single nucleotide variant.
Coding change: c.128T>C on transcript NM_000137.4 (MANE Select); coding-DNA position 128, T replaced by C.
Protein change: p.Leu43Pro; replaces leucine 43 with proline.
Molecular consequence: missense variant.
Genome position (GRCh38, 1-based): chr15:80,158,106, T>C. VCF-style: chr15-80158106-T-C. GRCh37 (hg19) VCF-style: chr15-80450448-T-C.
Other names: c.128T>C, p.Leu43Pro (NM_001374377.1, NM_001374380.1); short protein forms L43P.
Identifiers: ClinVar variation 2833957 (VCV002833957.3), dbSNP rs2505839594, ClinGen allele CA393617582.